The following is an entry in ClinVar:

ClinVar aggregate classification (germline): Uncertain significance (1 of 4 stars; one submission).

Conditions:
Neuropathy, hereditary sensory and autonomic, type 2A (HSAN2A). Also called: HSAN IIA; WNK1-Related HSAN2 (HSAN2A); ACROOSTEOLYSIS, GIACCAI TYPE; ACROOSTEOLYSIS, NEUROGENIC; MORVAN DISEASE; NEUROPATHY, CONGENITAL SENSORY. Identifiers: Orphanet 970, MedGen C2752089, MONDO:0024309, OMIM 201300.
Pseudohypoaldosteronism type 2C (PHA2C). Also called: Pseudohypoaldosteronism Type IIC. Identifiers: Orphanet 757, Orphanet 88940, MedGen C1840391, MONDO:0013778, OMIM 614492.

gnomAD v4.1: 17 of 1,519,062 alleles (0.0011%); highest among the groups gnomAD compares: Middle Eastern, 0.034%; no homozygotes.

Submission:

Labcorp Genetics (formerly Invitae), Labcorp
Classification: Uncertain significance for Neuropathy, hereditary sensory and autonomic, type 2A; Pseudohypoaldosteronism type 2C. Last evaluated: 2025-01-21. Review status: criteria provided, single submitter. Criteria: Invitae Variant Classification Sherloc (09022015). Collection method: clinical testing. Allele origin: germline.
Comment: This sequence change replaces arginine, which is basic and polar, with histidine, which is basic and polar, at codon 718 of the WNK1 protein (p.Arg718His). This variant is not present in population databases (gnomAD no frequency). This variant has not been reported in the literature in individuals affected with WNK1-related conditions. Invitae Evidence Modeling of protein sequence and biophysical properties (such as structural, functional, and spatial information, amino acid conservation, physicochemical variation, residue mobility, and thermodynamic stability) indicates that this missense variant is not expected to disrupt WNK1 protein function with a negative predictive value of 95%. In summary, the available evidence is currently insufficient to determine the role of this variant in disease. Therefore, it has been classified as a Variant of Uncertain Significance.

NM_213655.5(WNK1):c.2153G>A (p.Arg718His)

Gene: WNK1 (WNK lysine deficient protein kinase 1; plus strand). Cytogenetic location: 12p13.33.
Variant type: single nucleotide variant.
Coding change: c.2153G>A on transcript NM_213655.5 (MANE Plus Clinical); coding-DNA position 2153, G replaced by A.
Protein change: p.Arg718His; replaces arginine 718 with histidine.
Molecular consequence: missense variant. On other transcripts: intron variant (3).
Genome position (GRCh38, 1-based): chr12:865,123, G>A. VCF-style: chr12-865123-G-A. GRCh37 (hg19) VCF-style: chr12-974289-G-A.
Other names: c.2140-2743G>A (NM_001184985.2); c.2139+2853G>A (NM_018979.4, NM_014823.3); short protein forms R718H.
Identifiers: ClinVar variation 3762977 (VCV003762977.2).